The following is an entry in ClinVar:

NM_004360.5(CDH1):c.581G>A (p.Gly194Asp)

Gene: CDH1 (cadherin 1; plus strand). Cytogenetic location: 16q22.1.
Variant type: single nucleotide variant.
Coding change: c.581G>A on transcript NM_004360.5 (MANE Select); coding-DNA position 581, G replaced by A.
Protein change: p.Gly194Asp; replaces glycine 194 with aspartic acid.
Molecular consequence: missense variant. On other transcripts: 5 prime UTR variant (2).
Genome position (GRCh38, 1-based): chr16:68,808,742, G>A. VCF-style: chr16-68808742-G-A. GRCh37 (hg19) VCF-style: chr16-68842645-G-A.
Other names: c.581G>A, p.Gly194Asp (NM_001317184.2); c.-1035G>A (NM_001317185.2); c.-1239G>A (NM_001317186.2); short protein forms G194D.
Identifiers: ClinVar variation 1749883 (VCV001749883.5), dbSNP rs2152130129, ClinGen allele CA396457949.
Genomic context (GRCh38, chr16:68,808,742, plus strand): 5'-TTTGTCTTCAGATCAAATCCAACAAAGACAAAGAAGGCAAGGTTTTCTACAGCATCACTG[G>A]CCAAGGAGCTGACACACCCCCTGTTGGTGTCTTTATTATTGAAAGAGAAACAGGATGGCT-3'
Protein context (NP_004351.1, residues 184-204): KEGKVFYSIT[Gly194Asp]QGADTPPVGV

ClinVar aggregate classification (germline): Uncertain significance. Review status: criteria provided, multiple submitters, no conflicts (2 of 4 stars). 2 submissions from 2 submitters: Uncertain significance (2). Last evaluated 2023-09-08.

Conditions:
Hereditary cancer-predisposing syndrome. Also called: Neoplastic Syndromes, Hereditary; Tumor predisposition; Hereditary neoplastic syndrome; Hereditary Cancer Syndrome. Identifiers: Orphanet 140162, MedGen C0027672, MeSH D009386, MONDO:0015356.
Hereditary diffuse gastric adenocarcinoma (HDGC). Also called: DIFFUSE GASTRIC AND LOBULAR BREAST CANCER SYNDROME. Identifiers: Orphanet 26106, MedGen C1708349, MONDO:0007648, OMIM 137215.

Submissions (2):

Labcorp Genetics (formerly Invitae), Labcorp
Classification: Uncertain significance for Hereditary diffuse gastric adenocarcinoma. Last evaluated: 2023-09-08. Review status: criteria provided, single submitter. Criteria: Invitae Variant Classification Sherloc (09022015). Collection method: clinical testing. Allele origin: germline.
Comment: This sequence change replaces glycine, which is neutral and non-polar, with aspartic acid, which is acidic and polar, at codon 194 of the CDH1 protein (p.Gly194Asp). In summary, the available evidence is currently insufficient to determine the role of this variant in disease. Therefore, it has been classified as a Variant of Uncertain Significance. An algorithm developed to predict the effect of missense changes on protein structure and function (PolyPhen-2) suggests that this variant is likely to be disruptive. ClinVar contains an entry for this variant (Variation ID: 1749883). This variant has not been reported in the literature in individuals affected with CDH1-related conditions. This variant is not present in population databases (gnomAD no frequency).

Ambry Genetics
Classification: Uncertain significance for Hereditary cancer-predisposing syndrome. Last evaluated: 2021-01-04. Review status: criteria provided, single submitter. Criteria: Ambry Variant Classification Scheme 2023. Collection method: clinical testing. Allele origin: germline.
Comment: The p.G194D variant (also known as c.581G>A), located in coding exon 5 of the CDH1 gene, results from a G to A substitution at nucleotide position 581. The glycine at codon 194 is replaced by aspartic acid, an amino acid with similar properties. This amino acid position is highly conserved in available vertebrate species. In addition, this alteration is predicted to be deleterious by in silico analysis. Since supporting evidence is limited at this time, the clinical significance of this alteration remains unclear.